The following is an entry in ClinVar:

ClinVar aggregate classification (germline): Uncertain significance. Review status: criteria provided, multiple submitters, no conflicts (2 of 4 stars). 3 submissions from 3 submitters: Uncertain significance (3). Last evaluated 2026-01-18.

Conditions:
Hereditary cancer-predisposing syndrome. Also called: Tumor predisposition; Hereditary neoplastic syndrome; Neoplastic Syndromes, Hereditary; Hereditary Cancer Syndrome. Identifiers: Orphanet 140162, MedGen C0027672, MeSH D009386, MONDO:0015356.
Familial adenomatous polyposis 1 (FAP1). Also called: POLYPOSIS, ADENOMATOUS INTESTINAL; FAMILIAL ADENOMATOUS POLYPOSIS 1, ATTENUATED. Identifiers: MedGen C2713442, MONDO:0021056, OMIM 175100. Disease mechanism: loss of function.

Submissions (3):

Labcorp Genetics (formerly Invitae), Labcorp
Classification: Uncertain significance for Familial adenomatous polyposis 1. Last evaluated: 2026-01-18. Review status: criteria provided, single submitter. Criteria: Invitae Variant Classification Sherloc (09022015). Collection method: clinical testing. Allele origin: germline.
Comment: This variant, c.3712_3726del, results in the deletion of 5 amino acid(s) of the APC protein (p.Ser1238_Gln1242del), but otherwise preserves the integrity of the reading frame. This variant is not present in population databases (gnomAD no frequency). This variant has not been reported in the literature in individuals affected with APC-related conditions. ClinVar contains an entry for this variant (Variation ID: 957509). Experimental studies and prediction algorithms are not available or were not evaluated, and the functional significance of this variant is currently unknown. In summary, the available evidence is currently insufficient to determine the role of this variant in disease. Therefore, it has been classified as a Variant of Uncertain Significance.

Ambry Genetics
Classification: Uncertain significance for Hereditary cancer-predisposing syndrome. Last evaluated: 2024-03-04. Review status: criteria provided, single submitter. Criteria: Ambry Variant Classification Scheme 2023. Collection method: clinical testing. Allele origin: germline.
Comment: The c.3712_3726del15 variant (also known as p.S1238_Q1242del) is located in coding exon 15 of the APC gene. This variant results from an in-frame AGTAGAAGTGGTCAG deletion at nucleotide positions 3712 to 3726. This results in the deletion of five amino acids (SRSGQ) between codons 1238 and 1242. This amino acid region is not well conserved in available vertebrate species. In addition, the in silico prediction for this alteration is inconclusive (Choi Y et al. PLoS ONE. 2012; 7(10):e46688). Since supporting evidence is limited at this time, the clinical significance of this alteration remains unclear.

GeneDx
Classification: Uncertain significance. Last evaluated: 2023-04-11. Review status: criteria provided, single submitter. Criteria: GeneDx Variant Classification Process June 2021. Collection method: clinical testing. Allele origin: germline. Affected: yes.
Comment: Not observed at significant frequency in large population cohorts (gnomAD); In-frame deletion of 5 amino acids in a non-repeat region; In silico analysis supports a deleterious effect on protein structure/function; Has not been previously published as pathogenic or benign to our knowledge

NM_000038.6(APC):c.3712_3726del (p.Ser1238_Gln1242del)

Gene: APC (APC regulator of Wnt signaling pathway; plus strand). Cytogenetic location: 5q22.2.
Variant type: Deletion.
Coding change: c.3712_3726del on transcript NM_000038.6 (MANE Select); coding-DNA positions 3712 to 3726, 15 bases deleted (AGTAGAAGTGGTCAG).
Protein change: p.Ser1238_Gln1242del.
Molecular consequence: inframe deletion.
Genome position (GRCh38, 1-based): chr5:112,839,306-112,839,320, AGTAGAAGTGGTCAG deleted; deleting any 15 consecutive bases within chr5:112,839,303-112,839,320 gives the same sequence; the c. name uses the placement nearest the transcript's 3' end. VCF-style (leftmost placement, unchanged base first): chr5-112839302-ACAGAGTAGAAGTGGT-A. GRCh37 (hg19) VCF-style: chr5-112174999-ACAGAGTAGAAGTGGT-A.
Other names: c.3712_3726del, p.Ser1238_Gln1242del (NM_001127510.3, NM_001354895.2); c.3658_3672del, p.Ser1220_Gln1224del (NM_001127511.3); c.3766_3780del, p.Ser1256_Gln1260del (NM_001354896.2); c.3742_3756del, p.Ser1248_Gln1252del (NM_001354897.2); c.3637_3651del, p.Ser1213_Gln1217del (NM_001354898.2); c.3628_3642del, p.Ser1210_Gln1214del (NM_001354899.2); c.3589_3603del, p.Ser1197_Gln1201del (NM_001354900.2); c.3535_3549del, p.Ser1179_Gln1183del (NM_001354901.2); and 6 more.
Identifiers: ClinVar variation 957509 (VCV000957509.12), dbSNP rs1765499328, ClinGen allele CA1139655922.